The following is an entry in ClinVar:

NM_020717.5(SHROOM4):c.4030G>T (p.Ala1344Ser)

Gene: SHROOM4 (shroom family member 4; minus strand). Cytogenetic location: Xp11.22.
Variant type: single nucleotide variant.
Coding change: c.4030G>T on transcript NM_020717.5 (MANE Select); coding-DNA position 4030, G replaced by T.
Protein change: p.Ala1344Ser; replaces alanine 1344 with serine.
Molecular consequence: missense variant. On other transcripts: non-coding transcript variant (4).
Genome position (GRCh38, 1-based): chrX:50,598,448, C>A on the plus strand (G>T on the coding strand, the complement: SHROOM4 is on the minus strand). VCF-style: chrX-50598448-C-A. GRCh37 (hg19) VCF-style: chrX-50341448-C-A.
Other names: short protein forms A1344S.
Identifiers: ClinVar variation 2660556 (VCV002660556.24), dbSNP rs2519230388, ClinGen allele CA413099913.
Genomic context (GRCh38, chrX:50,598,448, plus strand): 5'-TTTCAAATTCATTGGATTTGCAGACGGCTTTTAAGTTGGCCTCCACCTCCTCCCCAAGGG[C>A]AGAATTGGCATTGATGTCCTCTAGCAGCCCTCGCTGGGCCTCCCGCAAGACAGAAAGTTT-3'
Protein context (NP_065768.2, residues 1334-1354): GLLEDINANS[Ala1344Ser]LGEEVEANLK

ClinVar aggregate classification (germline): Uncertain significance (1 of 4 stars; one submission).

Submission:

CeGaT Center for Human Genetics Tuebingen
Classification: Uncertain significance. Last evaluated: 2023-09-01. Review status: criteria provided, single submitter. Criteria: CeGaT Center For Human Genetics Tuebingen Variant Classification Criteria Version 2. Collection method: clinical testing. Allele origin: germline. Affected: yes. Observed: 2 variant alleles.
Comment: SHROOM4: PM2, BP4